The following is an entry in ClinVar:

NM_001164508.2(NEB):c.6965del (p.Phe2322fs)

Gene: NEB (nebulin; minus strand). Cytogenetic location: 2q23.3.
Variant type: Deletion.
Coding change: c.6965del on transcript NM_001164508.2 (MANE Select); coding-DNA position 6965, one base deleted (T; older notation c.6965delT).
Protein change: p.Phe2322fs; shifts the reading frame from phenylalanine 2322.
Molecular consequence: frameshift variant.
Genome position (GRCh38, 1-based): chr2:151,650,836, A deleted on the plus strand (T on the coding strand, the reverse complement: NEB is on the minus strand); the first of 2 consecutive A bases (chr2:151,650,836-151,650,837); deleting either gives the same sequence. VCF-style (leftmost placement, unchanged base first): chr2-151650835-GA-G. GRCh37 (hg19) VCF-style: chr2-152507349-GA-G.
Other names: c.6965del, p.Phe2322fs (NM_001164507.2, NM_001271208.2, NM_004543.5); short protein forms F2322fs.
Identifiers: ClinVar variation 5015136 (VCV005015136.1).

ClinVar aggregate classification (germline): Pathogenic (1 of 4 stars; one submission).

Conditions:
Nemaline myopathy 2 (NEM2). Also called: Nemaline myopathy 2, autosomal recessive. Identifiers: MedGen C1850569, MONDO:0009725, OMIM 256030.

Submission:

Myriad Genetics, Inc.
Classification: Pathogenic for Nemaline myopathy 2. Last evaluated: 2025-10-24. Review status: criteria provided, single submitter. Criteria: Myriad Autosomal Dominant, Autosomal Recessive and X-Linked Classification Criteria (2023). Collection method: clinical testing. Allele origin: unknown.
Comment: NM_001271208.1(NEB):c.6965delT(F2322Sfs*14) is expected to be pathogenic in the context of NEB-related nemaline myopathy. This variant is predicted to lead to an abnormal or absent protein product due to the creation of a premature termination codon in NEB, a gene where loss-of-function variants are known to be pathogenic. Please note: this variant was assessed in the context of healthy population screening.